The following is an entry in ClinVar:

ClinVar aggregate classification (germline): Uncertain significance (1 of 4 stars; one submission).

Conditions:
Gastrointestinal stromal tumor. Also called: Gastrointestinal stromal tumor, somatic; Gastrointestinal stroma tumor. Identifiers: Orphanet 44890, MedGen C0238198, MeSH D046152, MONDO:0011719, OMIM 606764, HP:0100723.

Submission:

Labcorp Genetics (formerly Invitae), Labcorp
Classification: Uncertain significance for Gastrointestinal stroma tumor. Last evaluated: 2019-08-20. Review status: criteria provided, single submitter. Criteria: Invitae Variant Classification Sherloc (09022015). Collection method: clinical testing. Allele origin: germline.
Comment: This variant results in a copy number gain of the genomic region encompassing the full coding sequence of the KIT gene. The boundaries of this event are unknown as they extend beyond the assayed region for this gene and therefore may encompass additional genes. As the precise location of this event is unknown, it may be in tandem or it may be located elsewhere in the genome. This variant has not been reported in the literature in individuals with KIT-related disease. In summary, the available evidence is currently insufficient to determine the role of this variant in disease. Therefore, it has been classified as a Variant of Uncertain Significance.

NC_000004.11:g.(?_55094349)_(55604723_?)dup

Genes: KIT (KIT proto-oncogene, receptor tyrosine kinase; plus strand), PDGFRA (platelet derived growth factor receptor alpha; plus strand). Cytogenetic location: 4q12.
Variant type: Duplication.
Identifiers: ClinVar variation 832597 (VCV000832597.1).